The following is an entry in ClinVar:

NM_000369.5(TSHR):c.268C>T (p.Gln90Ter)

Genes: TSHR (thyroid stimulating hormone receptor; plus strand), TSHR-AS1 (TSHR antisense RNA 1; minus strand). Cytogenetic location: 14q31.1.
Variant type: single nucleotide variant.
Coding change: c.268C>T on transcript NM_000369.5 (MANE Select); coding-DNA position 268, C replaced by T.
Protein change: p.Gln90Ter; replaces glutamine 90 with a stop codon.
Molecular consequence: nonsense.
Genome position (GRCh38, 1-based): chr14:81,068,279, C>T. VCF-style: chr14-81068279-C-T. GRCh37 (hg19) VCF-style: chr14-81534623-C-T.
Other names: c.268C>T, p.Gln90Ter (NM_001018036.3, NM_001142626.3); short protein forms Q90*.
Identifiers: ClinVar variation 2757754 (VCV002757754.3), dbSNP rs2139909895, ClinGen allele CA390730961.

ClinVar aggregate classification (germline): Pathogenic (1 of 4 stars; one submission).

Allele frequency attached by ClinVar (database versions not stated): gnomAD exomes below 0.00001.
gnomAD v4.1: 2 of 1,613,018 alleles (0.00012%); highest among the groups gnomAD compares: Non-Finnish European, 0.00017%; no homozygotes.

Submission:

Labcorp Genetics (formerly Invitae), Labcorp
Classification: Pathogenic. Last evaluated: 2023-09-03. Review status: criteria provided, single submitter. Criteria: Invitae Variant Classification Sherloc (09022015). Collection method: clinical testing. Allele origin: germline.
Comment: This sequence change creates a premature translational stop signal (p.Gln90*) in the TSHR gene. It is expected to result in an absent or disrupted protein product. Loss-of-function variants in TSHR are known to be pathogenic (PMID: 8954020). This variant is not present in population databases (gnomAD no frequency). This premature translational stop signal has been observed in individual(s) with congenital hypothyroidism (PMID: 34780050). Algorithms developed to predict the effect of sequence changes on RNA splicing suggest that this variant may disrupt the consensus splice site. For these reasons, this variant has been classified as Pathogenic.

Literature cited by the submitters: PubMed 8954020; PubMed 34780050.